The following is an entry in ClinVar:

NM_001384140.1(PCDH15):c.1034C>A (p.Ala345Glu)

Gene: PCDH15 (protocadherin related 15; minus strand). Cytogenetic location: 10q21.1.
Variant type: single nucleotide variant.
Coding change: c.1034C>A on transcript NM_001384140.1 (MANE Select); coding-DNA position 1034, C replaced by A.
Protein change: p.Ala345Glu; replaces alanine 345 with glutamic acid.
Molecular consequence: missense variant.
Genome position (GRCh38, 1-based): chr10:54,214,000, G>T on the plus strand (C>A on the coding strand, the complement: PCDH15 is on the minus strand). VCF-style: chr10-54214000-G-T. GRCh37 (hg19) VCF-style: chr10-55973760-G-T.
Other names: c.1049C>A, p.Ala350Glu (NM_001142763.2, NM_001142769.4, NM_001142771.2); c.1034C>A, p.Ala345Glu (NM_001142764.2, NM_001142765.2, NM_001142766.2 and 7 more transcripts); c.923C>A, p.Ala308Glu (NM_001142767.2); c.968C>A, p.Ala323Glu (NM_001142768.2, NM_001142773.2, NM_001354404.2); short protein forms A350E, A308E, A323E, A345E.
Identifiers: ClinVar variation 1404193 (VCV001404193.3), dbSNP rs759047277, ClinGen allele CA5506508.
Genomic context (GRCh38, chr10:54,214,000, plus strand): 5'-ATAACCAAATCAAATTTCTGGTGAAAGTCTCTGTTTACTGGCTCCAGGAGACTAAGTTCT[G>T]CTGTCCTAGGATGCATATGGAAAAATCGTGGGTAATCCTCAGGAGTCCCTGGAAGACATT-3'
Protein context (NP_001371069.1, residues 335-355): PRFFHMHPRT[Ala345Glu]ELSLLEPVNR

ClinVar aggregate classification (germline): Uncertain significance (1 of 4 stars; one submission).

Allele frequency attached by ClinVar (database versions not stated): gnomAD exomes below 0.00001; TOPMed below 0.00001; ExAC 0.00001; gnomAD 0.00001.
gnomAD v4.1: 7 of 1,611,884 alleles (0.00043%); highest among the groups gnomAD compares: Non-Finnish European, 0.00059%; no homozygotes.

Submission:

Labcorp Genetics (formerly Invitae), Labcorp
Classification: Uncertain significance. Last evaluated: 2021-11-03. Review status: criteria provided, single submitter. Criteria: Invitae Variant Classification Sherloc (09022015). Collection method: clinical testing. Allele origin: germline.
Comment: This sequence change replaces alanine, which is neutral and non-polar, with glutamic acid, which is acidic and polar, at codon 345 of the PCDH15 protein (p.Ala345Glu). This variant is present in population databases (rs759047277, gnomAD 0.0009%). This variant has not been reported in the literature in individuals affected with PCDH15-related conditions. Algorithms developed to predict the effect of missense changes on protein structure and function are either unavailable or do not agree on the potential impact of this missense change (SIFT: "Tolerated"; PolyPhen-2: "Probably Damaging"; Align-GVGD: "Class C0"). In summary, the available evidence is currently insufficient to determine the role of this variant in disease. Therefore, it has been classified as a Variant of Uncertain Significance.